The following is an entry in ClinVar:

ClinVar aggregate classification (germline): Uncertain significance (1 of 4 stars; one submission).

Conditions:
PLXNA3-related disorder. Also called: PLXNA3-related condition.

Submission:

PreventionGenetics, part of Exact Sciences
Classification: Uncertain significance for PLXNA3-related condition. Last evaluated: 2026-09-24. Review status: criteria provided, single submitter. Criteria: ACMG Guidelines, 2015. Collection method: clinical testing. Allele origin: germline.
Comment: The PLXNA3 c.445G>A variant is predicted to result in the amino acid substitution p.Asp149Asn. To our knowledge, this variant has not been reported in the literature. This variant is reported in 0.027% of alleles in individuals of African descent in gnomAD, including two hemizygotes. Although we suspect that this variant may be benign, at this time, the clinical significance of this variant is uncertain due to the absence of conclusive functional and genetic evidence.

NM_017514.5(PLXNA3):c.445G>A (p.Asp149Asn)

Gene: PLXNA3 (plexin A3; plus strand). Cytogenetic location: Xq28.
Variant type: single nucleotide variant.
Coding change: c.445G>A on transcript NM_017514.5 (MANE Select); coding-DNA position 445, G replaced by A.
Protein change: p.Asp149Asn; replaces aspartic acid 149 with asparagine.
Molecular consequence: missense variant.
Genome position (GRCh38, 1-based): chrX:154,460,628, G>A. VCF-style: chrX-154460628-G-A. GRCh37 (hg19) VCF-style: chrX-153688968-G-A.
Other names: short protein forms D149N.
Identifiers: ClinVar variation 3355068 (VCV003355068.2).
Genomic context (GRCh38, chrX:154,460,628, plus strand): 5'-TTCAAGCTGGGTGAGCCGCACCACCGCAAGGAGCACTACCTGTCGGGGGCCCAGGAGCCC[G>A]ACTCCATGGCTGGTGTCATTGTGGAGCAGGGCCAGGGGCCCAGCAAGCTGTTTGTGGGCA-3'
Protein context (NP_059984.3, residues 139-159): EHYLSGAQEP[Asp149Asn]SMAGVIVEQG